The following is an entry in ClinVar:

NM_001323289.2(CDKL5):c.170_177del (p.Thr57fs)

Gene: CDKL5 (cyclin dependent kinase like 5; plus strand). Cytogenetic location: Xp22.13.
Variant type: Deletion.
Coding change: c.170_177del on transcript NM_001323289.2 (MANE Select); coding-DNA positions 170 to 177, 8 bases deleted (CTTTACGA; older notation c.170_177delCTTTACGA).
Protein change: p.Thr57fs; shifts the reading frame from threonine 57.
Molecular consequence: frameshift variant.
Genome position (GRCh38, 1-based): chrX:18,575,378-18,575,385, CTTTACGA deleted; deleting any 8 consecutive bases within chrX:18,575,374-18,575,385 gives the same sequence; the c. name uses the placement nearest the transcript's 3' end. VCF-style (leftmost placement, unchanged base first): chrX-18575373-AACGACTTT-A. GRCh37 (hg19) VCF-style: chrX-18593493-AACGACTTT-A.
Other names: c.170_177del, p.Thr57fs (NM_001037343.2, NM_003159.3); short protein forms T57fs.
Identifiers: ClinVar variation 2444296 (VCV002444296.1), dbSNP rs2518844555, ClinGen allele CA2580100389.
Genomic context (GRCh38, chrX:18,575,373, plus strand): 5'-AAGTTTTCATTTTAGTCTCTTCACCATTGTTTACATTCTAGAAAATGAAGAAGTCAAAGA[AACGACTTT>A]ACGAGAGCTTAAAATGCTTCGGACTCTCAAGCAGGAAAACATTGTGGAGTTGAAGGAAGC-3'

ClinVar aggregate classification (germline): Likely pathogenic (1 of 4 stars; one submission).

Conditions:
Developmental and epileptic encephalopathy, 2 (DEE2). Also called: INFANTILE SPASM SYNDROME, X-LINKED 2; CDKL5 deficiency disorder. Identifiers: Orphanet 1934, Orphanet 3451, Orphanet 505652, MedGen C4750718, MONDO:0010396, OMIM 300672.

Submission:

3billion
Classification: Likely pathogenic for Developmental and epileptic encephalopathy, 2. Last evaluated: 2023-02-23. Review status: criteria provided, single submitter. Criteria: ACMG Guidelines, 2015. Collection method: clinical testing. Allele origin: unknown. Affected: yes.
Comment: The variant is not observed in the gnomAD v2.1.1 dataset. This variant was predicted to result in a loss or disruption of normal protein function through nonsense-mediated decay (NMD) or protein truncation. Multiple pathogenic variants are reported downstream of the variant. Therefore, this variant is classified as Likely pathogenic according to the recommendation of ACMG/AMP guideline.